The following is an entry in ClinVar:

NM_138501.6(TECR):c.800-3C>T

Gene: TECR (trans-2,3-enoyl-CoA reductase; plus strand). Cytogenetic location: 19p13.12.
Variant type: single nucleotide variant.
Coding change: c.800-3C>T on transcript NM_138501.6 (MANE Select); 3 bases into the intron before coding-DNA position 800, C replaced by T.
Molecular consequence: intron variant.
Genome position (GRCh38, 1-based): chr19:14,565,741, C>T. VCF-style: chr19-14565741-C-T. GRCh37 (hg19) VCF-style: chr19-14676553-C-T.
Other names: c.845-3C>T (NM_001321170.1).
Identifiers: ClinVar variation 2626883 (VCV002626883.1), dbSNP rs1568434347, ClinGen allele CA993867287.

ClinVar aggregate classification (germline): Uncertain significance (1 of 4 stars; one submission).

Allele frequency attached by ClinVar (database versions not stated): gnomAD 0.00001; gnomAD exomes 0.00001.
gnomAD v4.1: 4 of 1,612,362 alleles (0.00025%); highest among the groups gnomAD compares: Admixed American, 0.0067%; no homozygotes.

Submission:

Greenwood Genetic Center Diagnostic Laboratories, Greenwood Genetic Center
Classification: Uncertain significance. Last evaluated: 2023-08-14. Review status: criteria provided, single submitter. Criteria: ACMG Guidelines, 2015. Collection method: clinical testing. Allele origin: germline. Affected: yes.
Comment: PM2